The following is an entry in ClinVar:

NM_001083614.2(EARS2):c.515A>G (p.Gln172Arg)

Gene: EARS2 (glutamyl-tRNA synthetase 2, mitochondrial; minus strand). Cytogenetic location: 16p12.2.
Variant type: single nucleotide variant.
Coding change: c.515A>G on transcript NM_001083614.2 (MANE Select); coding-DNA position 515, A replaced by G.
Protein change: p.Gln172Arg; replaces glutamine 172 with arginine.
Molecular consequence: missense variant. On other transcripts: non-coding transcript variant (1).
Genome position (GRCh38, 1-based): chr16:23,535,331, T>C on the plus strand (A>G on the coding strand, the complement: EARS2 is on the minus strand). VCF-style: chr16-23535331-T-C. GRCh37 (hg19) VCF-style: chr16-23546652-T-C.
Other names: c.515A>G, p.Gln172Arg (NM_001308211.1); short protein forms Q172R.
Identifiers: ClinVar variation 1349041 (VCV001349041.9), dbSNP rs753589019, ClinGen allele CA7962561.

ClinVar aggregate classification (germline): Uncertain significance. Review status: criteria provided, multiple submitters, no conflicts (2 of 4 stars). 2 submissions from 2 submitters: Uncertain significance (2). Last evaluated 2023-12-20.

Allele frequency attached by ClinVar (database versions not stated): ExAC 0.00001; gnomAD exomes 0.00001.

Submissions (2):

Blueprint Genetics
Classification: Uncertain significance. Last evaluated: 2023-12-20. Review status: criteria provided, single submitter. Criteria: ACMG Guidelines, 2015. Collection method: clinical testing. Allele origin: germline.

Labcorp Genetics (formerly Invitae), Labcorp
Classification: Uncertain significance. Last evaluated: 2023-08-04. Review status: criteria provided, single submitter. Criteria: Invitae Variant Classification Sherloc (09022015). Collection method: clinical testing. Allele origin: germline.
Comment: This sequence change replaces glutamine, which is neutral and polar, with arginine, which is basic and polar, at codon 172 of the EARS2 protein (p.Gln172Arg). This variant is present in population databases (rs753589019, gnomAD 0.003%). This variant has not been reported in the literature in individuals affected with EARS2-related conditions. ClinVar contains an entry for this variant (Variation ID: 1349041). Advanced modeling of protein sequence and biophysical properties (such as structural, functional, and spatial information, amino acid conservation, physicochemical variation, residue mobility, and thermodynamic stability) performed at Invitae indicates that this missense variant is not expected to disrupt EARS2 protein function. In summary, the available evidence is currently insufficient to determine the role of this variant in disease. Therefore, it has been classified as a Variant of Uncertain Significance.